The following is an entry in ClinVar:

ClinVar aggregate classification (germline): Likely benign (1 of 4 stars; one submission).

Allele frequency attached by ClinVar (database versions not stated): gnomAD 0.00003; 1000 Genomes Project 30x 0.00031.

Submission:

CeGaT Center for Human Genetics Tuebingen
Classification: Likely benign. Last evaluated: 2023-03-01. Review status: criteria provided, single submitter. Criteria: CeGaT Center For Human Genetics Tuebingen Variant Classification Criteria Version 2. Collection method: clinical testing. Allele origin: germline. Affected: yes. Observed: 1 variant allele.
Comment: MUC2: BP4, BP7

NM_002457.5(MUC2):c.2088C>T (p.Asp696=)

Gene: MUC2 (mucin 2, oligomeric mucus/gel-forming; plus strand). Cytogenetic location: 11p15.5.
Variant type: single nucleotide variant.
Coding change: c.2088C>T on transcript NM_002457.5 (MANE Select); coding-DNA position 2088, C replaced by T.
Protein change: p.Asp696=; no amino-acid change (aspartic acid 696 retained).
Molecular consequence: synonymous variant.
Genome position (GRCh38, 1-based): chr11:1,085,192, C>T. VCF-style: chr11-1085192-C-T. GRCh37 (hg19) VCF-style: chr11-1083188-C-T.
Identifiers: ClinVar variation 2641122 (VCV002641122.24), dbSNP rs746519255, ClinGen allele CA5798841.